The following is an entry in ClinVar:

ClinVar aggregate classification (germline): Benign. Review status: criteria provided, multiple submitters, no conflicts (2 of 4 stars). 2 submissions from 2 submitters: Benign (2). Last evaluated 2018-06-16.

Allele frequency attached by ClinVar (database versions not stated): 1000 Genomes Project 0.35403; 1000 Genomes Project 30x 0.36040; gnomAD exomes 0.44716; TOPMed 0.44980; gnomAD 0.45857 and 0.46883.
gnomAD v4.1: 356,217 of 791,994 alleles (45%); highest among the groups gnomAD compares: Non-Finnish European, 49%; 83,824 homozygotes.

Submissions (2):

GeneDx
Classification: Benign. Last evaluated: 2018-06-16. Review status: criteria provided, single submitter. Criteria: GeneDx Variant Classification (06012015). Collection method: clinical testing. Allele origin: germline. Affected: yes.
Comment: This variant is considered likely benign or benign based on one or more of the following criteria: it is a conservative change, it occurs at a poorly conserved position in the protein, it is predicted to be benign by multiple in silico algorithms, and/or has population frequency not consistent with disease.

Breakthrough Genomics
Classification: Benign. Review status: criteria provided, single submitter. Criteria: ACMG Guidelines, 2015. Collection method: not provided. Allele origin: germline. Inheritance: Autosomal recessive inheritance. Affected: yes.

NM_020549.5(CHAT):c.1839+129A>G

Gene: CHAT (choline O-acetyltransferase; plus strand). Cytogenetic location: 10q11.23.
Variant type: single nucleotide variant.
Coding change: c.1839+129A>G on transcript NM_020549.5 (MANE Select); 129 bases into the intron after coding-DNA position 1839, A replaced by G.
Molecular consequence: intron variant.
Genome position (GRCh38, 1-based): chr10:49,655,577, A>G. VCF-style: chr10-49655577-A-G. GRCh37 (hg19) VCF-style: chr10-50863623-A-G.
Other names: c.1485+129A>G (NM_020984.4, NM_020985.4, NM_020986.4 and 2 more transcripts); c.1593+129A>G (NM_001142933.2).
Identifiers: ClinVar variation 679123 (VCV000679123.2), dbSNP rs7094421, ClinGen allele CA13154241.